The following is an entry in ClinVar:

NM_002080.4(GOT2):c.719C>T (p.Ala240Val)

Gene: GOT2 (glutamic-oxaloacetic transaminase 2; minus strand). Cytogenetic location: 16q21.
Variant type: single nucleotide variant.
Coding change: c.719C>T on transcript NM_002080.4 (MANE Select); coding-DNA position 719, C replaced by T.
Protein change: p.Ala240Val; replaces alanine 240 with valine.
Molecular consequence: missense variant.
Genome position (GRCh38, 1-based): chr16:58,716,797, G>A on the plus strand (C>T on the coding strand, the complement: GOT2 is on the minus strand). VCF-style: chr16-58716797-G-A. GRCh37 (hg19) VCF-style: chr16-58750701-G-A.
Other names: c.590C>T, p.Ala197Val (NM_001286220.2); short protein forms A197V, A240V.
Identifiers: ClinVar variation 1416474 (VCV001416474.8), dbSNP rs754471368, ClinGen allele CA8090950.

ClinVar aggregate classification (germline): Uncertain significance (1 of 4 stars; one submission).

Allele frequency attached by ClinVar (database versions not stated): gnomAD exomes below 0.00001 and 0.00001; ExAC 0.00001.

Submission:

Labcorp Genetics (formerly Invitae), Labcorp
Classification: Uncertain significance. Last evaluated: 2021-07-28. Review status: criteria provided, single submitter. Criteria: Invitae Variant Classification Sherloc (09022015). Collection method: clinical testing. Allele origin: germline.
Comment: In summary, the available evidence is currently insufficient to determine the role of this variant in disease. Therefore, it has been classified as a Variant of Uncertain Significance. Algorithms developed to predict the effect of missense changes on protein structure and function (SIFT, PolyPhen-2, Align-GVGD) all suggest that this variant is likely to be tolerated, but these predictions have not been confirmed by published functional studies and their clinical significance is uncertain. This variant has not been reported in the literature in individuals with GOT2-related conditions. This variant is present in population databases (rs754471368, ExAC 0.002%). This sequence change replaces alanine with valine at codon 240 of the GOT2 protein (p.Ala240Val). The alanine residue is moderately conserved and there is a small physicochemical difference between alanine and valine.